The following is an entry in ClinVar:

ClinVar aggregate classification (germline): Pathogenic (1 of 4 stars; one submission).

Conditions:
Hereditary hemorrhagic telangiectasia (HHT). Also called: ORW DISEASE; Osler Weber Rendu syndrome; OSLER-RENDU-WEBER DISEASE; Osler hemorrhagic telangiectasia syndrome. Identifiers: Orphanet 774, MedGen C0039445, MONDO:0019180. Disease mechanism: loss of function.

Submission:

Labcorp Genetics (formerly Invitae), Labcorp
Classification: Pathogenic for Hereditary hemorrhagic telangiectasia. Last evaluated: 2019-10-31. Review status: criteria provided, single submitter. Criteria: Invitae Variant Classification Sherloc (09022015). Collection method: clinical testing. Allele origin: germline.
Comment: This variant is an in-frame deletion of the genomic region encompassing exons 9-10 of the ENG gene. It preserves the integrity of the reading frame. Similar deletions are also known as exons 9A-9B deletions in the literature. Variants that disrupt the p.Cys412 amino acid residue in ENG has been observed in affected individuals (PMID: 24196379, 25312062, 15024723, Invitae). This suggests that it is a clinically significant residue, and that other variants that disrupt this residue are likely to be causative of disease. For these reasons, this variant has been classified as Pathogenic.

Literature cited by the submitters: PubMed 20414677; PubMed 25312062; PubMed 24196379; PubMed 15024723.

NC_000009.12:g.(?_127819622)_(127820037_?)del

Genes: ENG (endoglin; minus strand), LOC102723566 (uncharacterized LOC102723566; plus strand). Cytogenetic location: 9q34.11.
Variant type: Deletion.
Identifiers: ClinVar variation 417398 (VCV000417398.2).